The following is an entry in ClinVar:

ClinVar aggregate classification (germline): Uncertain significance. Review status: criteria provided, multiple submitters, no conflicts (2 of 4 stars). 2 submissions from 2 submitters: Uncertain significance (2). Last evaluated 2026-01-27.

Allele frequency attached by ClinVar (database versions not stated): ExAC 0.00003; gnomAD exomes 0.00003; gnomAD 0.00027; 1000 Genomes Project 0.00040; TOPMed 0.00046; 1000 Genomes Project 30x 0.00047.
gnomAD v4.1: 64 of 1,613,584 alleles (0.004%); highest among the groups gnomAD compares: Admixed American, 0.095%; no homozygotes.

Submissions (2):

Labcorp Genetics (formerly Invitae), Labcorp
Classification: Uncertain significance. Last evaluated: 2026-01-27. Review status: criteria provided, single submitter. Criteria: Invitae Variant Classification Sherloc (09022015). Collection method: clinical testing. Allele origin: germline.
Comment: This sequence change replaces cysteine, which is neutral and slightly polar, with glycine, which is neutral and non-polar, at codon 64 of the IL18BP protein (p.Cys64Gly). This variant is present in population databases (rs201587167, gnomAD 0.01%). This variant has not been reported in the literature in individuals affected with IL18BP-related conditions. ClinVar contains an entry for this variant (Variation ID: 2156760). An algorithm developed to predict the effect of missense changes on protein structure and function (PolyPhen-2) suggests that this variant is likely to be disruptive. In summary, the available evidence is currently insufficient to determine the role of this variant in disease. Therefore, it has been classified as a Variant of Uncertain Significance.

Ambry Genetics
Classification: Uncertain significance. Last evaluated: 2025-08-12. Review status: criteria provided, single submitter. Criteria: Ambry Variant Classification Scheme 2023. Collection method: clinical testing. Allele origin: germline.

NM_001039660.2(IL18BP):c.190T>G (p.Cys64Gly)

Gene: IL18BP (interleukin 18 binding protein; plus strand). Cytogenetic location: 11q13.4.
Variant type: single nucleotide variant.
Coding change: c.190T>G on transcript NM_001039660.2 (MANE Select); coding-DNA position 190, T replaced by G.
Protein change: p.Cys64Gly; replaces cysteine 64 with glycine.
Molecular consequence: missense variant.
Genome position (GRCh38, 1-based): chr11:72,000,512, T>G. VCF-style: chr11-72000512-T-G. GRCh37 (hg19) VCF-style: chr11-71711558-T-G.
Other names: c.190T>G, p.Cys64Gly (NM_001039659.2, NM_001145055.1, NM_001145057.1 and 3 more transcripts); short protein forms C64G.
Identifiers: ClinVar variation 2156760 (VCV002156760.5), dbSNP rs201587167, ClinGen allele CA6166135.